The following is an entry in ClinVar:

NC_000017.11:g.(?_17221531)_(17228143_?)del

Gene: FLCN (folliculin; minus strand). Cytogenetic location: 17p11.2.
Variant type: Deletion.
Identifiers: ClinVar variation 530024 (VCV000530024.3).

ClinVar aggregate classification (germline): Pathogenic (1 of 4 stars; one submission).

Conditions:
Birt-Hogg-Dube syndrome. Also called: Birt Hogg Dubé syndrome. Identifiers: Orphanet 122, MedGen C0346010, MONDO:0800444.

Submission:

Labcorp Genetics (formerly Invitae), Labcorp
Classification: Pathogenic for Birt-Hogg-Dube syndrome. Last evaluated: 2017-11-07. Review status: criteria provided, single submitter. Criteria: Invitae Variant Classification Sherloc (09022015). Collection method: clinical testing. Allele origin: germline.
Comment: For these reasons, this variant has been classified as Pathogenic. Loss-of-function variants in FLCN are known to be pathogenic (PMID: 15852235). Deletion of exons 4-8 has not been reported in the literature in individuals with FLCN-related disease, but a deletion of exons 2-5 including the initiator codon in exon 4 has been observed in an individual affected with Birt-Hogg-Dub√© syndrome (PMID: 21412933). This variant is a gross deletion of the genomic region encompassing exons 4-8 of the FLCN gene, which includes the initiator codon in the first coding exon 4. The 5' end of this event is unknown as it extends beyond the assayed region for this gene and therefore may encompass additional genes. The 3' boundary is likely confined to intron 8 of the FLCN gene. This is expected to result in an absent or disrupted protein product.

Literature cited by the submitters: PubMed 15852235; PubMed 21412933.